The following is an entry in ClinVar:

NM_000489.6(ATRX):c.1658A>T (p.Glu553Val)

Gene: ATRX (ATRX chromatin remodeler; minus strand). Cytogenetic location: Xq21.1.
Variant type: single nucleotide variant.
Coding change: c.1658A>T on transcript NM_000489.6 (MANE Select); coding-DNA position 1658, A replaced by T.
Protein change: p.Glu553Val; replaces glutamic acid 553 with valine.
Molecular consequence: missense variant.
Genome position (GRCh38, 1-based): chrX:77,683,598, T>A on the plus strand (A>T on the coding strand, the complement: ATRX is on the minus strand). VCF-style: chrX-77683598-T-A. GRCh37 (hg19) VCF-style: chrX-76939090-T-A.
Other names: c.1544A>T, p.Glu515Val (NM_138270.5); short protein forms E515V, E553V.
Identifiers: ClinVar variation 3634998 (VCV003634998.2).

ClinVar aggregate classification (germline): Uncertain significance (1 of 4 stars; one submission).

Conditions:
Alpha thalassemia-X-linked intellectual disability syndrome (ATRX). Also called: ALPHA-THALASSEMIA/MENTAL RETARDATION SYNDROME, X-LINKED; ATR, NONDELETION TYPE; ATR-X syndrome; Alpha thalassemia mental retardation syndrome, nondeletion type, X-linked; XLMR hypotonic face syndrome; X-linked alpha-thalassemia-mental retardation syndrome. Identifiers: Orphanet 847, MedGen C1845055, MONDO:0010519, OMIM 301040.

Submission:

Labcorp Genetics (formerly Invitae), Labcorp
Classification: Uncertain significance for Alpha thalassemia-X-linked intellectual disability syndrome. Last evaluated: 2024-03-16. Review status: criteria provided, single submitter. Criteria: Invitae Variant Classification Sherloc (09022015). Collection method: clinical testing. Allele origin: germline.
Comment: This sequence change replaces glutamic acid, which is acidic and polar, with valine, which is neutral and non-polar, at codon 553 of the ATRX protein (p.Glu553Val). This variant is not present in population databases (gnomAD no frequency). This variant has not been reported in the literature in individuals affected with ATRX-related conditions. Advanced modeling of protein sequence and biophysical properties (such as structural, functional, and spatial information, amino acid conservation, physicochemical variation, residue mobility, and thermodynamic stability) performed at Invitae indicates that this missense variant is not expected to disrupt ATRX protein function with a negative predictive value of 95%. In summary, the available evidence is currently insufficient to determine the role of this variant in disease. Therefore, it has been classified as a Variant of Uncertain Significance.